The following is an entry in ClinVar:

NM_001347721.2(DYRK1A):c.975G>A (p.Leu325=)

Gene: DYRK1A (dual specificity tyrosine phosphorylation regulated kinase 1A; plus strand). Cytogenetic location: 21q22.13.
Variant type: single nucleotide variant.
Coding change: c.975G>A on transcript NM_001347721.2 (MANE Select); coding-DNA position 975, G replaced by A.
Protein change: p.Leu325=; no amino-acid change (leucine 325 retained).
Molecular consequence: synonymous variant.
Genome position (GRCh38, 1-based): chr21:37,493,067, G>A. VCF-style: chr21-37493067-G-A. GRCh37 (hg19) VCF-style: chr21-38865369-G-A.
Other names: c.975G>A, p.Leu325= (NM_001347722.2, NM_130436.2); c.888G>A, p.Leu296= (NM_001347723.2); c.1002G>A, p.Leu334= (NM_001396.5, NM_101395.2, NM_130438.2).
Identifiers: ClinVar variation 391516 (VCV000391516.9), dbSNP rs1057524118, ClinGen allele CA16608509.

ClinVar aggregate classification (germline): Likely benign. Review status: criteria provided, multiple submitters, no conflicts (2 of 4 stars). 2 submissions from 2 submitters: Likely benign (2). Last evaluated 2024-11-11.

Conditions:
DYRK1A-related intellectual disability syndrome (MRD7). Also called: DYRK1A Syndrome; Intellectual developmental disorder, autosomal dominant 7. Identifiers: Orphanet 464306, MedGen C5568143, MONDO:0013578, OMIM 614104.

Allele frequency attached by ClinVar (database versions not stated): gnomAD exomes below 0.00001.
gnomAD v4.1: 1 of 1,611,630 alleles (0.000062%); highest among the groups gnomAD compares: Non-Finnish European, 0.000085%; no homozygotes.

Submissions (2):

Labcorp Genetics (formerly Invitae), Labcorp
Classification: Likely benign for DYRK1A-related intellectual disability syndrome. Last evaluated: 2024-11-11. Review status: criteria provided, single submitter. Criteria: Invitae Variant Classification Sherloc (09022015). Collection method: clinical testing. Allele origin: germline.

GeneDx
Classification: Likely benign. Last evaluated: 2016-12-12. Review status: criteria provided, single submitter. Criteria: GeneDx Variant Classification (06012015). Collection method: clinical testing. Allele origin: germline. Affected: yes.
Comment: This variant is considered likely benign or benign based on one or more of the following criteria: it is a conservative change, it occurs at a poorly conserved position in the protein, it is predicted to be benign by multiple in silico algorithms, and/or has population frequency not consistent with disease.